The following is an entry in ClinVar:

NM_001365308.1(BMPER):c.1514G>A (p.Arg505His)

Gene: BMPER (BMP binding endothelial regulator; plus strand). Cytogenetic location: 7p14.3.
Variant type: single nucleotide variant.
Coding change: c.1514G>A on transcript NM_001365308.1 (MANE Select); coding-DNA position 1514, G replaced by A.
Protein change: p.Arg505His; replaces arginine 505 with histidine.
Molecular consequence: missense variant.
Genome position (GRCh38, 1-based): chr7:34,085,861, G>A. VCF-style: chr7-34085861-G-A. GRCh37 (hg19) VCF-style: chr7-34125473-G-A.
Other names: c.1514G>A (NM_133468.3); c.1514G>A, p.Arg505His (NM_133468.5); short protein forms R505H.
Identifiers: ClinVar variation 908340 (VCV000908340.10), dbSNP rs189187507, ClinGen allele CA4215430.

ClinVar aggregate classification (germline): Uncertain significance. Review status: criteria provided, multiple submitters, no conflicts (2 of 4 stars). 5 submissions from 5 submitters: Uncertain significance (5). Last evaluated 2024-11-27.

Conditions:
Inborn genetic diseases. Identifiers: MedGen C0950123, MeSH D030342.
Diaphanospondylodysostosis. Also called: VERTEBRAL OSSIFICATION, DEFECT IN, WITH NEPHROGENIC RESTS. Identifiers: Orphanet 66637, MedGen C1842691, MONDO:0011946, OMIM 608022.

Allele frequency attached by ClinVar (database versions not stated): ExAC 0.00020; gnomAD exomes 0.00020; gnomAD 0.00024 and 0.00025; ESP Exome Variant Server 0.00031; 1000 Genomes Project 0.00040; TOPMed 0.00049; 1000 Genomes Project 30x 0.00062.
gnomAD v4.1: 326 of 1,614,168 alleles (0.02%); highest among the groups gnomAD compares: Middle Eastern, 0.35%; 1 homozygote.

Submissions (5):

Blueprint Genetics
Classification: Uncertain significance. Last evaluated: 2024-11-27. Review status: criteria provided, single submitter. Criteria: ACMG Guidelines, 2015. Collection method: clinical testing. Allele origin: germline.

Revvity Omics, Revvity
Classification: Uncertain significance for Diaphanospondylodysostosis. Last evaluated: 2023-01-24. Review status: criteria provided, single submitter. Criteria: ACMG Guidelines, 2015. Collection method: clinical testing. Allele origin: germline.

Labcorp Genetics (formerly Invitae), Labcorp
Classification: Uncertain significance. Last evaluated: 2022-09-19. Review status: criteria provided, single submitter. Criteria: Invitae Variant Classification Sherloc (09022015). Collection method: clinical testing. Allele origin: germline.
Comment: This sequence change replaces arginine, which is basic and polar, with histidine, which is basic and polar, at codon 505 of the BMPER protein (p.Arg505His). This variant is present in population databases (rs189187507, gnomAD 0.07%). This variant has not been reported in the literature in individuals affected with BMPER-related conditions. ClinVar contains an entry for this variant (Variation ID: 908340). Advanced modeling of protein sequence and biophysical properties (such as structural, functional, and spatial information, amino acid conservation, physicochemical variation, residue mobility, and thermodynamic stability) performed at Invitae indicates that this missense variant is not expected to disrupt BMPER protein function. In summary, the available evidence is currently insufficient to determine the role of this variant in disease. Therefore, it has been classified as a Variant of Uncertain Significance.

Ambry Genetics
Classification: Uncertain significance for Inborn genetic diseases. Last evaluated: 2022-03-03. Review status: criteria provided, single submitter. Criteria: Ambry Variant Classification Scheme 2023. Collection method: clinical testing. Allele origin: germline.

Illumina Laboratory Services, Illumina
Classification: Uncertain significance for Diaphanospondylodysostosis. Last evaluated: 2018-01-13. Review status: criteria provided, single submitter. Criteria: ICSL Variant Classification Criteria 13 December 2019. Collection method: clinical testing. Allele origin: germline.